The following is an entry in ClinVar:

NM_006017.3(PROM1):c.801A>G (p.Lys267=)

Gene: PROM1 (prominin 1; minus strand). Cytogenetic location: 4p15.32.
Variant type: single nucleotide variant.
Coding change: c.801A>G on transcript NM_006017.3 (MANE Select); coding-DNA position 801, A replaced by G.
Protein change: p.Lys267=; no amino-acid change (lysine 267 retained).
Molecular consequence: synonymous variant.
Genome position (GRCh38, 1-based): chr4:16,018,524, T>C on the plus strand (A>G on the coding strand, the complement: PROM1 is on the minus strand). VCF-style: chr4-16018524-T-C. GRCh37 (hg19) VCF-style: chr4-16020147-T-C.
Other names: c.774A>G, p.Lys258= (NM_001145847.2, NM_001145848.2, NM_001145851.2 and 4 more transcripts); c.801A>G, p.Lys267= (NM_001145849.2, NM_001145850.2).
Identifiers: ClinVar variation 729095 (VCV000729095.11), dbSNP rs186293194, ClinGen allele CA2866945.

ClinVar aggregate classification (germline): Likely benign. Review status: criteria provided, multiple submitters, no conflicts (2 of 4 stars). 3 submissions from 3 submitters: Likely benign (3). Last evaluated 2026-01-05.

Conditions:
PROM1-related disorder. Also called: PROM1-related disorders; PROM1-related condition.

Allele frequency attached by ClinVar (database versions not stated): gnomAD exomes 0.00002 and 0.00006; ExAC 0.00010; gnomAD 0.00011 and 0.00014; 1000 Genomes Project 30x 0.00016; 1000 Genomes Project 0.00020; ESP Exome Variant Server 0.00024; TOPMed 0.00024.
gnomAD v4.1: 45 of 1,608,950 alleles (0.0028%); highest among the groups gnomAD compares: African/African-American, 0.049%; no homozygotes.

Submissions (3):

Labcorp Genetics (formerly Invitae), Labcorp
Classification: Likely benign. Last evaluated: 2026-01-05. Review status: criteria provided, single submitter. Criteria: Invitae Variant Classification Sherloc (09022015). Collection method: clinical testing. Allele origin: germline.

PreventionGenetics, part of Exact Sciences
Classification: Likely benign for PROM1-related condition. Last evaluated: 2025-06-25. Review status: criteria provided, single submitter. Criteria: ACMG Guidelines, 2015. Collection method: clinical testing. Allele origin: germline.
Comment: This variant is classified as likely benign based on ACMG/AMP sequence variant interpretation guidelines (Richards et al. 2015 PMID: 25741868, with internal and published modifications).

Blueprint Genetics
Classification: Likely benign. Last evaluated: 2020-10-14. Review status: criteria provided, single submitter. Criteria: ACMG Guidelines, 2015. Collection method: clinical testing. Allele origin: germline.